The following is an entry in ClinVar:

NM_001277115.2(DNAH11):c.148G>T (p.Ala50Ser)

Gene: DNAH11 (dynein axonemal heavy chain 11; plus strand). Cytogenetic location: 7p15.3.
Variant type: single nucleotide variant.
Coding change: c.148G>T on transcript NM_001277115.2 (MANE Select); coding-DNA position 148, G replaced by T.
Protein change: p.Ala50Ser; replaces alanine 50 with serine.
Molecular consequence: missense variant.
Genome position (GRCh38, 1-based): chr7:21,543,393, G>T. VCF-style: chr7-21543393-G-T. GRCh37 (hg19) VCF-style: chr7-21583011-G-T.
Other names: short protein forms A50S.
Identifiers: ClinVar variation 4278895 (VCV004278895.1).

ClinVar aggregate classification (germline): Uncertain significance (1 of 4 stars; one submission).

Submission:

GeneDx
Classification: Uncertain significance. Last evaluated: 2025-04-01. Review status: criteria provided, single submitter. Criteria: GeneDx Variant Classification Process June 2021. Collection method: clinical testing. Allele origin: germline. Affected: yes.
Comment: Not observed at significant frequency in large population cohorts (gnomAD); In silico analysis indicates that this missense variant does not alter protein structure/function; Has not been previously published as pathogenic or benign to our knowledge